The following is an entry in ClinVar:

NM_152703.5(SAMD9L):c.1181A>C (p.Glu394Ala)

Gene: SAMD9L (sterile alpha motif domain containing 9 like; minus strand). Cytogenetic location: 7q21.2.
Variant type: single nucleotide variant.
Coding change: c.1181A>C on transcript NM_152703.5 (MANE Select); coding-DNA position 1181, A replaced by C.
Protein change: p.Glu394Ala; replaces glutamic acid 394 with alanine.
Molecular consequence: missense variant.
Genome position (GRCh38, 1-based): chr7:93,134,791, T>G on the plus strand (A>C on the coding strand, the complement: SAMD9L is on the minus strand). VCF-style: chr7-93134791-T-G. GRCh37 (hg19) VCF-style: chr7-92764104-T-G.
Other names: c.1181A>C, p.Glu394Ala (NM_001303496.3, NM_001303497.3, NM_001303498.3 and 5 more transcripts); short protein forms E394A.
Identifiers: ClinVar variation 4630002 (VCV004630002.2).

ClinVar aggregate classification (germline): Uncertain significance. Review status: criteria provided, multiple submitters, no conflicts (2 of 4 stars). 2 submissions from 2 submitters: Uncertain significance (2). Last evaluated 2025-09-17.

Conditions:
Inborn genetic diseases. Identifiers: MedGen C0950123, MeSH D030342.

gnomAD v4.1: 1 of 1,613,430 alleles (0.000062%); highest among the groups gnomAD compares: Non-Finnish European, 0.000085%; no homozygotes.

Submissions (2):

Ambry Genetics
Classification: Uncertain significance for Inborn genetic diseases. Last evaluated: 2025-09-17. Review status: criteria provided, single submitter. Criteria: Ambry Variant Classification Scheme 2023. Collection method: clinical testing. Allele origin: germline.
Comment: The p.E394A variant (also known as c.1181A>C), located in coding exon 1 of the SAMD9L gene, results from an A to C substitution at nucleotide position 1181. The glutamic acid at codon 394 is replaced by alanine, an amino acid with dissimilar properties. This amino acid position is conserved. In addition, this alteration is predicted to be tolerated by in silico analysis. Based on the available evidence, the clinical significance of this variant remains unclear.

Blueprint Genetics
Classification: Uncertain significance. Last evaluated: 2020-09-01. Review status: criteria provided, single submitter. Criteria: ACMG Guidelines, 2015. Collection method: clinical testing. Allele origin: germline.